The following is an entry in ClinVar:

NM_006231.4(POLE):c.241G>A (p.Ala81Thr)

Gene: POLE (DNA polymerase epsilon, catalytic subunit; minus strand). Cytogenetic location: 12q24.33.
Variant type: single nucleotide variant.
Coding change: c.241G>A on transcript NM_006231.4 (MANE Select); coding-DNA position 241, G replaced by A.
Protein change: p.Ala81Thr; replaces alanine 81 with threonine.
Molecular consequence: missense variant.
Genome position (GRCh38, 1-based): chr12:132,680,651, C>T on the plus strand (G>A on the coding strand, the complement: POLE is on the minus strand). VCF-style: chr12-132680651-C-T. GRCh37 (hg19) VCF-style: chr12-133257237-C-T.
Other names: short protein forms A81T.
Identifiers: ClinVar variation 220689 (VCV000220689.14), dbSNP rs749720207, ClinGen allele CA349083.

ClinVar aggregate classification (germline): Uncertain significance. Review status: criteria provided, multiple submitters, no conflicts (2 of 4 stars). 6 submissions from 6 submitters: Uncertain significance (5). 1 of the submissions does not count toward it. Last evaluated 2025-12-15.

Conditions:
Colorectal cancer, susceptibility to, 12 (CRCS12). Also called: COLORECTAL CANCER, SUSCEPTIBILITY TO, ON CHROMOSOME 12q24. Identifiers: Orphanet 220460, MedGen C3554460, MONDO:0014038, OMIM 615083.
Facial dysmorphism-immunodeficiency-livedo-short stature syndrome. Also called: Facial dysmorphism, immunodeficiency, livedo, and short stature; FILS syndrome. Identifiers: Orphanet 352712, MedGen C3554576, MONDO:0014058, OMIM 615139.
Intrauterine growth retardation, metaphyseal dysplasia, adrenal hypoplasia congenita, genital anomalies, and immunodeficiency. Also called: IMAGEI SYNDROME. Identifiers: MedGen C5193036, MONDO:0032684, OMIM 618336.
POLE-related disorder. Also called: POLE-related condition; POLE-related disorders.
Hereditary cancer-predisposing syndrome. Also called: Hereditary neoplastic syndrome; Tumor predisposition; Hereditary Cancer Syndrome; Neoplastic Syndromes, Hereditary. Identifiers: Orphanet 140162, MedGen C0027672, MeSH D009386, MONDO:0015356.

Allele frequency attached by ClinVar (database versions not stated): TOPMed below 0.00001; ExAC 0.00001; gnomAD 0.00001; gnomAD exomes 0.00001 and 0.00002.
gnomAD v4.1: 8 of 1,613,962 alleles (0.0005%); highest among the groups gnomAD compares: East Asian, 0.0045%; no homozygotes.

Submissions (6):

Labcorp Genetics (formerly Invitae), Labcorp
Classification: Uncertain significance. Last evaluated: 2025-12-15. Review status: criteria provided, single submitter. Criteria: Invitae Variant Classification Sherloc (09022015). Collection method: clinical testing. Allele origin: germline.
Comment: This sequence change replaces alanine, which is neutral and non-polar, with threonine, which is neutral and polar, at codon 81 of the POLE protein (p.Ala81Thr). This variant is present in population databases (rs749720207, gnomAD 0.006%). This variant has not been reported in the literature in individuals affected with POLE-related conditions. ClinVar contains an entry for this variant (Variation ID: 220689). Invitae Evidence Modeling of protein sequence and biophysical properties (such as structural, functional, and spatial information, amino acid conservation, physicochemical variation, residue mobility, and thermodynamic stability) indicates that this missense variant is not expected to disrupt POLE protein function with a negative predictive value of 80%. In summary, the available evidence is currently insufficient to determine the role of this variant in disease. Therefore, it has been classified as a Variant of Uncertain Significance.

Ambry Genetics
Classification: Uncertain significance for Hereditary cancer-predisposing syndrome. Last evaluated: 2024-12-16. Review status: criteria provided, single submitter. Criteria: Ambry Variant Classification Scheme 2023. Collection method: clinical testing. Allele origin: germline.
Comment: The p.A81T variant (also known as c.241G>A), located in coding exon 3 of the POLE gene, results from a G to A substitution at nucleotide position 241. The alanine at codon 81 is replaced by threonine, an amino acid with similar properties. This amino acid position is highly conserved in available vertebrate species. In addition, this alteration is predicted to be tolerated by in silico analysis. Based on the available evidence, the clinical significance of this variant remains unclear.

St. Jude Molecular Pathology, St. Jude Children's Research Hospital
Classification: Uncertain significance for Colorectal cancer, susceptibility to, 12. Last evaluated: 2024-04-24. Review status: criteria provided, single submitter. Criteria: St. Jude Assertion Criteria 2020. Collection method: clinical testing. Allele origin: germline.
Comment: The POLE c.241G>A (p.Ala81Thr) missense change has a maximum subpopulation frequency of 0.0054% in gnomAD v2.1.1. The in silico tool REVEL predicts a benign effect on protein function, but to our knowledge this prediction has not been confirmed by functional studies. To our knowledge, this variant has not been reported in the literature in individuals with POLE-related disease. In summary, the evidence currently available is insufficient to determine the clinical significance of this variant. It has therefore been classified as of uncertain significance.

GeneDx
Classification: Uncertain significance. Last evaluated: 2024-01-07. Review status: criteria provided, single submitter. Criteria: GeneDx Variant Classification Process June 2021. Collection method: clinical testing. Allele origin: germline. Affected: yes.
Comment: Not observed at significant frequency in large population cohorts (gnomAD); In silico analysis supports that this missense variant has a deleterious effect on protein structure/function; Has not been previously published as pathogenic or benign to our knowledge; This variant is associated with the following publications: (PMID: 29581464)

Department of Pathology and Laboratory Medicine, Sinai Health System
Classification: Uncertain significance for Colorectal cancer, susceptibility to, 12; Facial dysmorphism-immunodeficiency-livedo-short stature syndrome; Intrauterine growth retardation, metaphyseal dysplasia, adrenal hypoplasia congenita, genital anomalies, and immunodeficiency. Last evaluated: 2021-10-08. Review status: criteria provided, single submitter. Criteria: ACMG Guidelines, 2015. Collection method: clinical testing. Allele origin: germline. Affected: yes.

PreventionGenetics, part of Exact Sciences
Classification: Uncertain significance for POLE-related condition. Last evaluated: 2024-08-23. Review status: no assertion criteria provided. Collection method: clinical testing. Allele origin: germline. Not counted in ClinVar's aggregate classification.
Comment: The POLE c.241G>A variant is predicted to result in the amino acid substitution p.Ala81Thr. To our knowledge, this variant has not been reported in the literature. This variant is reported in 0.0054% of alleles in individuals of East Asian descent in gnomAD and is listed in ClinVar as a variant of uncertain significance. At this time, the clinical significance of this variant is uncertain due to the absence of conclusive functional and genetic evidence.